The following is an entry in ClinVar:

NM_000260.4(MYO7A):c.6240C>T (p.Ser2080=)

Gene: MYO7A (myosin VIIA; plus strand). Cytogenetic location: 11q13.5.
Variant type: single nucleotide variant.
Coding change: c.6240C>T on transcript NM_000260.4 (MANE Select); coding-DNA position 6240, C replaced by T.
Protein change: p.Ser2080=; no amino-acid change (serine 2080 retained).
Molecular consequence: synonymous variant.
Genome position (GRCh38, 1-based): chr11:77,211,823, C>T. VCF-style: chr11-77211823-C-T. GRCh37 (hg19) VCF-style: chr11-76922868-C-T.
Other names: p.S2080S:TCC>TCT; p.Ser2080=; c.6126C>T, p.Ser2042= (NM_001127180.2); c.6093C>T, p.Ser2031= (NM_001369365.1).
Identifiers: ClinVar variation 43323 (VCV000043323.32), dbSNP rs41298757, ClinGen allele CA132428.
Genomic context (GRCh38, chr11:77,211,823, plus strand): 5'-GCCCTGAGCAGGCCTGTCCCCAGGACTGAGCCCAGCCCTGACCGCCCTGTCCCCATAGTC[C>T]ATCGTCGCCTACTTCAACAAGCACGCAGGGAAGTCCAAGGAGGAGGCCAAGCTGGCCTTC-3'
Protein context (NP_000251.3, residues 2070-2090): RQVSPDDWKR[Ser2080=]IVAYFNKHAG

ClinVar aggregate classification (germline): Benign/Likely benign. Review status: criteria provided, multiple submitters, no conflicts (2 of 4 stars). 11 submissions from 9 submitters: Benign (8); Likely benign (2). 1 of the submissions does not count toward it. Last evaluated 2026-02-04.

Conditions:
Usher syndrome type 1 (USH1). Also called: RETINITIS PIGMENTOSA AND CONGENITAL DEAFNESS. Identifiers: Orphanet 231169, Orphanet 886, MedGen C1568247, MONDO:0010168, OMIM 276900.
Usher syndrome type 1B (USH1B). Also called: Usher syndrome type IB. Identifiers: MedGen C1848638, MONDO:0700087.
Autosomal recessive nonsyndromic hearing loss 2. Also called: DEAFNESS, AUTOSOMAL RECESSIVE 2; NEUROSENSORY NONSYNDROMIC RECESSIVE DEAFNESS 2. Identifiers: Orphanet 90636, MedGen C1838701, MONDO:0010807, OMIM 600060.
Autosomal dominant nonsyndromic hearing loss 11. Identifiers: Orphanet 90635, MedGen C1832475, MONDO:0011032, OMIM 601317.

Allele frequency attached by ClinVar (database versions not stated): TOPMed 0.02419; gnomAD 0.02484 and 0.02519; gnomAD exomes 0.02583 and 0.03473; ExAC 0.02673; ESP Exome Variant Server 0.03163; 1000 Genomes Project 30x 0.01483; 1000 Genomes Project 0.01597.
gnomAD v4.1: 54,274 of 1,613,416 alleles (3.4%); highest among the groups gnomAD compares: Middle Eastern, 4.7%; 1,124 homozygotes.

Submissions (11):

Labcorp Genetics (formerly Invitae), Labcorp
Classification: Benign. Last evaluated: 2026-02-04. Review status: criteria provided, single submitter. Criteria: Invitae Variant Classification Sherloc (09022015). Collection method: clinical testing. Allele origin: germline.

ARUP Laboratories, Molecular Genetics and Genomics, ARUP Laboratories
Classification: Benign. Last evaluated: 2023-09-25. Review status: criteria provided, single submitter. Criteria: ARUP Molecular Germline Variant Investigation Process 2024. Collection method: clinical testing. Allele origin: germline.

Mayo Clinic Laboratories, Mayo Clinic
Classification: Benign. Last evaluated: 2021-01-07. Review status: criteria provided, single submitter. Criteria: ACMG Guidelines, 2015. Collection method: clinical testing. Allele origin: germline. Observed: 9 variant alleles.

Athena Diagnostics
Classification: Benign. Last evaluated: 2018-11-26. Review status: criteria provided, single submitter. Criteria: Athena Diagnostics Criteria. Collection method: clinical testing. Allele origin: germline.

Illumina Laboratory Services, Illumina
Classification: Likely benign for Autosomal recessive nonsyndromic hearing loss 2. Last evaluated: 2018-01-13. Review status: criteria provided, single submitter. Criteria: ICSL Variant Classification Criteria 13 December 2019. Collection method: clinical testing. Allele origin: germline.
Comment: This variant was observed in the ICSL laboratory as part of a predisposition screen in an ostensibly healthy population. It had not been previously curated by ICSL or reported in the Human Gene Mutation Database (HGMD: prior to June 1st, 2018), and was therefore a candidate for classification through an automated scoring system. Utilizing variant allele frequency, disease prevalence and penetrance estimates, and inheritance mode, an automated score was calculated to assess if this variant is too frequent to cause the disease. Based on the score and internal cut-off values, a variant classified as likely benign is not then subjected to further curation. The score for this variant resulted in a classification of likely benign for this disease.

Illumina Laboratory Services, Illumina
Classification: Benign for Autosomal dominant nonsyndromic hearing loss 11. Last evaluated: 2018-01-13. Review status: criteria provided, single submitter. Criteria: ICSL Variant Classification Criteria 13 December 2019. Collection method: clinical testing. Allele origin: germline.
Comment: This variant was observed in the ICSL laboratory as part of a predisposition screen in an ostensibly healthy population. It had not been previously curated by ICSL or reported in the Human Gene Mutation Database (HGMD: prior to June 1st, 2018), and was therefore a candidate for classification through an automated scoring system. Utilizing variant allele frequency, disease prevalence and penetrance estimates, and inheritance mode, an automated score was calculated to assess if this variant is too frequent to cause the disease. Based on the score and internal cut-off values, a variant classified as benign is not then subjected to further curation. The score for this variant resulted in a classification of benign for this disease.

Illumina Laboratory Services, Illumina
Classification: Benign for Usher syndrome type 1. Last evaluated: 2018-01-13. Review status: criteria provided, single submitter. Criteria: ICSL Variant Classification Criteria 13 December 2019. Collection method: clinical testing. Allele origin: germline.
Comment: the same text as in the submission from Illumina Laboratory Services, Illumina above.

GeneDx
Classification: Benign. Last evaluated: 2013-03-13. Review status: criteria provided, single submitter. Criteria: GeneDx Variant Classification (06012015). Collection method: clinical testing. Allele origin: germline. Affected: yes.
Comment: This variant is considered likely benign or benign based on one or more of the following criteria: it is a conservative change, it occurs at a poorly conserved position in the protein, it is predicted to be benign by multiple in silico algorithms, and/or has population frequency not consistent with disease.

Laboratory for Molecular Medicine, Mass General Brigham Personalized Medicine
Classification: Benign. Last evaluated: 2008-02-19. Review status: criteria provided, single submitter. Criteria: LMM Criteria. Collection method: clinical testing. Allele origin: germline. Observed: 132 variant alleles.

Breakthrough Genomics
Classification: Likely benign. Review status: criteria provided, single submitter. Criteria: ACMG Guidelines, 2015. Collection method: not provided. Allele origin: germline. Inheritance: Autosomal recessive inheritance. Affected: yes.

Natera, Inc.
Classification: Benign for Usher syndrome type 1B. Last evaluated: 2020-09-16. Review status: no assertion criteria provided. Collection method: clinical testing. Allele origin: germline. Not counted in ClinVar's aggregate classification.

Literature cited by the submitters: PubMed 16470552 (cited by Athena Diagnostics); PubMed 10094549 (cited by Athena Diagnostics).